The following is an entry in ClinVar:

NM_006030.4(CACNA2D2):c.1773G>T (p.Glu591Asp)

Gene: CACNA2D2 (calcium voltage-gated channel auxiliary subunit alpha2delta 2; minus strand). Cytogenetic location: 3p21.31.
Variant type: single nucleotide variant.
Coding change: c.1773G>T on transcript NM_006030.4 (MANE Select); coding-DNA position 1773, G replaced by T.
Protein change: p.Glu591Asp; replaces glutamic acid 591 with aspartic acid.
Molecular consequence: missense variant.
Genome position (GRCh38, 1-based): chr3:50,375,963, C>A on the plus strand (G>T on the coding strand, the complement: CACNA2D2 is on the minus strand). VCF-style: chr3-50375963-C-A. GRCh37 (hg19) VCF-style: chr3-50413394-C-A.
Other names: c.1773G>T, p.Glu591Asp (NM_001005505.3, NM_001174051.3); c.1566G>T, p.Glu522Asp (NM_001291101.1); short protein forms E522D, E591D.
Identifiers: ClinVar variation 1051745 (VCV001051745.8), dbSNP rs1334009457, ClinGen allele CA352924648.
Genomic context (GRCh38, chr3:50,375,963, plus strand): 5'-GGGCAGGGCCCCTACACTCCTCTGCTCTGTCCCCCACCCCTGTTCTCCTCCTCTCCTTAC[C>A]TCTTCCTTGTTCTCATCCTCTAGCTCCGCATCCAGGAAGTCCAGAGTCACAGGCTCCCGG-3'
Protein context (NP_006021.2, residues 581-601): DAELEDENKE[Glu591Asp]IRRSMIDGNK

ClinVar aggregate classification (germline): Uncertain significance. Review status: criteria provided, multiple submitters, no conflicts (2 of 4 stars). 2 submissions from 2 submitters: Uncertain significance (2). Last evaluated 2025-09-02.

Conditions:
Early-infantile DEE. Also called: Ohtahara syndrome; Early infantile epileptic encephalopathy with suppression bursts; Early infantile epileptic encephalopathy. Identifiers: Orphanet 1934, MedGen C0393706, MONDO:0800491.

Allele frequency attached by ClinVar (database versions not stated): gnomAD 0.00002 and 0.00003; TOPMed 0.00002.
gnomAD v4.1: 30 of 1,613,196 alleles (0.0019%); highest among the groups gnomAD compares: African/African-American, 0.0027%; no homozygotes.

Submissions (2):

Labcorp Genetics (formerly Invitae), Labcorp
Classification: Uncertain significance for Early-infantile DEE. Last evaluated: 2025-09-02. Review status: criteria provided, single submitter. Criteria: Invitae Variant Classification Sherloc (09022015). Collection method: clinical testing. Allele origin: germline.
Comment: This sequence change replaces glutamic acid, which is acidic and polar, with aspartic acid, which is acidic and polar, at codon 591 of the CACNA2D2 protein (p.Glu591Asp). This variant also falls at the last nucleotide of exon 19, which is part of the consensus splice site for this exon. This variant is present in population databases (no rsID available, gnomAD 0.01%). This variant has not been reported in the literature in individuals affected with CACNA2D2-related conditions. ClinVar contains an entry for this variant (Variation ID: 1051745). An algorithm developed to predict the effect of missense changes on protein structure and function (PolyPhen-2) suggests that this variant is likely to be tolerated. Variants that disrupt the consensus splice site are a relatively common cause of aberrant splicing (PMID: 17576681, 9536098). In summary, the available evidence is currently insufficient to determine the role of this variant in disease. Therefore, it has been classified as a Variant of Uncertain Significance.

GeneDx
Classification: Uncertain significance. Last evaluated: 2019-10-03. Review status: criteria provided, single submitter. Criteria: GeneDx Variant Classification Process June 2021. Collection method: clinical testing. Allele origin: germline. Affected: yes.
Comment: In silico analysis, which includes protein predictors and evolutionary conservation, supports that this variant does not alter protein structure/function; Has not been previously published as pathogenic or benign to our knowledge

Literature cited by the submitters: PubMed 17576681 (cited by Labcorp Genetics (formerly Invitae), Labcorp); PubMed 9536098 (cited by Labcorp Genetics (formerly Invitae), Labcorp).